The following is an entry in ClinVar:

ClinVar aggregate classification (germline): Benign. Review status: criteria provided, multiple submitters, no conflicts (2 of 4 stars). 6 submissions from 6 submitters: Benign (5). 1 of the submissions does not count toward it. Last evaluated 2026-02-01.

Conditions:
SLITRK6-related disorder. Also called: SLITRK6-related condition.

Allele frequency attached by ClinVar (database versions not stated): 1000 Genomes Project 0.01318; 1000 Genomes Project 30x 0.01452; ExAC 0.01549; gnomAD exomes 0.01604 and 0.01608; gnomAD 0.02127 and 0.02230; TOPMed 0.02220; ESP Exome Variant Server 0.02275.

Submissions (6):

Labcorp Genetics (formerly Invitae), Labcorp
Classification: Benign. Last evaluated: 2026-02-01. Review status: criteria provided, single submitter. Criteria: Invitae Variant Classification Sherloc (09022015). Collection method: clinical testing. Allele origin: germline.

Athena Diagnostics
Classification: Benign. Last evaluated: 2019-07-12. Review status: criteria provided, single submitter. Criteria: Athena Diagnostics Criteria. Collection method: clinical testing. Allele origin: germline.

GeneDx
Classification: Benign. Last evaluated: 2017-11-02. Review status: criteria provided, single submitter. Criteria: GeneDx Variant Classification (06012015). Collection method: clinical testing. Allele origin: germline. Affected: yes.
Comment: This variant is considered likely benign or benign based on one or more of the following criteria: it is a conservative change, it occurs at a poorly conserved position in the protein, it is predicted to be benign by multiple in silico algorithms, and/or has population frequency not consistent with disease.

Laboratory for Molecular Medicine, Mass General Brigham Personalized Medicine
Classification: Benign. Last evaluated: 2017-08-23. Review status: criteria provided, single submitter. Criteria: LMM Criteria. Collection method: clinical testing. Allele origin: germline. Observed: 13 variant alleles.
Comment: p.Asn109Asn in exon 2 of SLITRK6: This variant is not expected to have clinical significance because it does not alter an amino acid residue, is not located wit hin the splice consensus sequence, and has been identified in 3.06% (300/9794) o f African chromosomes by the Exome Aggregation Consortium (ExAC; dbSNP rs35119660).

Breakthrough Genomics
Classification: Benign. Review status: criteria provided, single submitter. Criteria: ACMG Guidelines, 2015. Collection method: not provided. Allele origin: germline. Inheritance: Autosomal recessive inheritance. Affected: yes.

PreventionGenetics, part of Exact Sciences
Classification: Benign for SLITRK6-related condition. Last evaluated: 2019-07-15. Review status: no assertion criteria provided. Collection method: clinical testing. Allele origin: germline. Not counted in ClinVar's aggregate classification.
Comment: This variant is classified as benign based on ACMG/AMP sequence variant interpretation guidelines (Richards et al. 2015 PMID: 25741868, with internal and published modifications).

NM_032229.3(SLITRK6):c.327T>C (p.Asn109=)

Gene: SLITRK6 (SLIT and NTRK like family member 6; minus strand). Cytogenetic location: 13q31.1.
Variant type: single nucleotide variant.
Coding change: c.327T>C on transcript NM_032229.3 (MANE Select); coding-DNA position 327, T replaced by C.
Protein change: p.Asn109=; no amino-acid change (asparagine 109 retained).
Molecular consequence: synonymous variant.
Genome position (GRCh38, 1-based): chr13:85,796,182, A>G on the plus strand (T>C on the coding strand, the complement: SLITRK6 is on the minus strand). VCF-style: chr13-85796182-A-G. GRCh37 (hg19) VCF-style: chr13-86370317-A-G.
Identifiers: ClinVar variation 506091 (VCV000506091.17), dbSNP rs35119660, ClinGen allele CA7015295.